The following is an entry in ClinVar:

NC_000002.11:g.(?_202603373)_(202603478_?)del

Gene: ALS2 (alsin Rho guanine nucleotide exchange factor ALS2; minus strand). Cytogenetic location: 2q33.1.
Variant type: Deletion.
Identifiers: ClinVar variation 3247247 (VCV003247247.1).

ClinVar aggregate classification (germline): Uncertain significance (1 of 4 stars; one submission).

Conditions:
Infantile-onset ascending hereditary spastic paralysis (IAHSP). Also called: Infantile-Onset Ascending Hereditary Spastic Paralysis (IAHSP); Autosomal Recessive Juvenile Amyotrophic Lateral Sclerosis. Identifiers: Orphanet 293168, MedGen C2931441, MONDO:0011797, OMIM 607225. Disease mechanism: loss of function.

Submission:

Labcorp Genetics (formerly Invitae), Labcorp
Classification: Uncertain significance for Infantile-onset ascending hereditary spastic paralysis. Last evaluated: 2023-10-03. Review status: criteria provided, single submitter. Criteria: Invitae Variant Classification Sherloc (09022015). Collection method: clinical testing. Allele origin: unknown.
Comment: This variant is a gross deletion of the genomic region encompassing exon(s) 12 of the ALS2 gene. This variant would be expected to be in-frame, preserving the integrity of the reading frame. This variant has not been reported in the literature in individuals affected with ALS2-related conditions. Experimental studies and prediction algorithms are not available or were not evaluated, and the functional significance of this variant is currently unknown. In summary, the available evidence is currently insufficient to determine the role of this variant in disease. Therefore, it has been classified as a Variant of Uncertain Significance.